The following is an entry in ClinVar:

ClinVar aggregate classification (germline): Uncertain significance. Review status: criteria provided, multiple submitters, no conflicts (2 of 4 stars). 8 submissions from 8 submitters: Uncertain significance (4). 4 of the submissions do not count toward it. Last evaluated 2025-10-07.

Conditions:
Cardiovascular phenotype. Identifiers: MedGen CN230736.
Dilated cardiomyopathy 1M (CMD1M). Identifiers: Orphanet 154, MedGen C1843808, MONDO:0011840, OMIM 607482.
Hypertrophic cardiomyopathy 12. Identifiers: MedGen C2677491, MONDO:0012804, OMIM 612124.

Allele frequency attached by ClinVar (database versions not stated): gnomAD 0.00001; gnomAD exomes 0.00002 and 0.00001; TOPMed 0.00002; ExAC 0.00002.
gnomAD v4.1: 30 of 1,613,788 alleles (0.0019%); highest among the groups gnomAD compares: Non-Finnish European, 0.0025%; no homozygotes.

Submissions (8):

Labcorp Genetics (formerly Invitae), Labcorp
Classification: Uncertain significance for Hypertrophic cardiomyopathy 12; Dilated cardiomyopathy 1M. Last evaluated: 2025-10-07. Review status: criteria provided, single submitter. Criteria: Invitae Variant Classification Sherloc (09022015). Collection method: clinical testing. Allele origin: germline.
Comment: This sequence change replaces threonine, which is neutral and polar, with methionine, which is neutral and non-polar, at codon 33 of the CSRP3 protein (p.Thr33Met). This variant is present in population databases (rs758947977, gnomAD 0.003%). This variant has not been reported in the literature in individuals affected with CSRP3-related conditions. ClinVar contains an entry for this variant (Variation ID: 1175134). An algorithm developed to predict the effect of missense changes on protein structure and function (PolyPhen-2) suggests that this variant is likely to be disruptive. In summary, the available evidence is currently insufficient to determine the role of this variant in disease. Therefore, it has been classified as a Variant of Uncertain Significance.

GeneDx
Classification: Uncertain significance. Last evaluated: 2025-07-31. Review status: criteria provided, single submitter. Criteria: GeneDx Variant Classification Process June 2021. Collection method: clinical testing. Allele origin: germline. Affected: yes.
Comment: Has not been previously published as pathogenic or benign to our knowledge; Not observed at significant frequency in large population cohorts (gnomAD); In silico analysis suggests that this missense variant does not alter protein structure/function

Ambry Genetics
Classification: Uncertain significance for Cardiovascular phenotype. Last evaluated: 2023-11-23. Review status: criteria provided, single submitter. Criteria: Ambry Variant Classification Scheme 2023. Collection method: clinical testing. Allele origin: germline.
Comment: The p.T33M variant (also known as c.98C>T), located in coding exon 1 of the CSRP3 gene, results from a C to T substitution at nucleotide position 98. The threonine at codon 33 is replaced by methionine, an amino acid with similar properties. This amino acid position is conserved. In addition, the in silico prediction for this alteration is inconclusive. Since supporting evidence is limited at this time, the clinical significance of this alteration remains unclear.

Fulgent Genetics
Classification: Uncertain significance for Dilated cardiomyopathy 1M; Hypertrophic cardiomyopathy 12. Last evaluated: 2021-11-18. Review status: criteria provided, single submitter. Criteria: ACMG Guidelines, 2015. Collection method: clinical testing. Allele origin: unknown.

Clinical Genetics DNA and cytogenetics Diagnostics Lab, Erasmus MC, Erasmus Medical Center
Classification: Uncertain significance. Review status: no assertion criteria provided. Collection method: clinical testing. Allele origin: germline. Affected: yes. Study: VKGL Data-share Consensus. Not counted in ClinVar's aggregate classification.

Clinical Genetics, Academic Medical Center
Classification: Uncertain significance. Review status: no assertion criteria provided. Collection method: clinical testing. Allele origin: germline. Affected: yes. Study: VKGL Data-share Consensus. Not counted in ClinVar's aggregate classification.

Diagnostic Laboratory, Department of Genetics, University Medical Center Groningen
Classification: Uncertain significance. Review status: no assertion criteria provided. Collection method: clinical testing. Allele origin: germline. Affected: yes. Study: VKGL Data-share Consensus. Not counted in ClinVar's aggregate classification.

Genome Diagnostics Laboratory, University Medical Center Utrecht
Classification: Uncertain significance. Review status: no assertion criteria provided. Collection method: clinical testing. Allele origin: germline. Affected: yes. Study: VKGL Data-share Consensus. Not counted in ClinVar's aggregate classification.

NM_003476.5(CSRP3):c.98C>T (p.Thr33Met)

Gene: CSRP3 (cysteine and glycine rich protein 3; minus strand). Cytogenetic location: 11p15.1.
Variant type: single nucleotide variant.
Coding change: c.98C>T on transcript NM_003476.5 (MANE Select); coding-DNA position 98, C replaced by T.
Protein change: p.Thr33Met; replaces threonine 33 with methionine.
Molecular consequence: missense variant.
Genome position (GRCh38, 1-based): chr11:19,192,351, G>A on the plus strand (C>T on the coding strand, the complement: CSRP3 is on the minus strand). VCF-style: chr11-19192351-G-A. GRCh37 (hg19) VCF-style: chr11-19213898-G-A.
Other names: c.98C>T (NM_003476.3, NM_003476.4); c.98C>T, p.Thr33Met (NM_001369404.1); short protein forms T33M.
Identifiers: ClinVar variation 1175134 (VCV001175134.16), dbSNP rs758947977, ClinGen allele CA5916672.